The following is an entry in ClinVar:

NM_015346.4(ZFYVE26):c.2989C>T (p.Arg997Trp)

Gene: ZFYVE26 (zinc finger FYVE-type containing 26; minus strand). Cytogenetic location: 14q24.1.
Variant type: single nucleotide variant.
Coding change: c.2989C>T on transcript NM_015346.4 (MANE Select); coding-DNA position 2989, C replaced by T.
Protein change: p.Arg997Trp; replaces arginine 997 with tryptophan.
Molecular consequence: missense variant.
Genome position (GRCh38, 1-based): chr14:67,789,365, G>A on the plus strand (C>T on the coding strand, the complement: ZFYVE26 is on the minus strand). VCF-style: chr14-67789365-G-A. GRCh37 (hg19) VCF-style: chr14-68256082-G-A.
Other names: short protein forms R997W.
Identifiers: ClinVar variation 3906587 (VCV003906587.1).

ClinVar aggregate classification (germline): Uncertain significance (1 of 4 stars; one submission).

gnomAD v4.1: 8 of 1,614,060 alleles (0.0005%); highest among the groups gnomAD compares: East Asian, 0.0022%; no homozygotes.

Submission:

GeneDx
Classification: Uncertain significance. Last evaluated: 2024-12-18. Review status: criteria provided, single submitter. Criteria: GeneDx Variant Classification Process June 2021. Collection method: clinical testing. Allele origin: germline. Affected: yes.
Comment: Not observed at significant frequency in large population cohorts (gnomAD); In silico analysis supports that this missense variant has a deleterious effect on protein structure/function; Has not been previously published as pathogenic or benign to our knowledge